The following is an entry in ClinVar:

ClinVar aggregate classification (germline): Likely benign (1 of 4 stars; one submission).

gnomAD v4.1: 14 of 1,614,052 alleles (0.00087%); highest among the groups gnomAD compares: Non-Finnish European, 0.001%; no homozygotes.

Submission:

CeGaT Center for Human Genetics Tuebingen
Classification: Likely benign. Last evaluated: 2026-04-01. Review status: criteria provided, single submitter. Criteria: CeGaT Center For Human Genetics Tuebingen Variant Classification Criteria Version 2. Collection method: clinical testing. Allele origin: germline. Affected: yes. Observed: 1 variant allele.
Comment: HSD3B7: BP4, BP7

NM_025193.4(HSD3B7):c.444C>T (p.Asp148=)

Gene: HSD3B7 (hydroxy-delta-5-steroid dehydrogenase, 3 beta- and steroid delta-isomerase 7; plus strand). Cytogenetic location: 16p11.2.
Variant type: single nucleotide variant.
Coding change: c.444C>T on transcript NM_025193.4 (MANE Select); coding-DNA position 444, C replaced by T.
Protein change: p.Asp148=; no amino-acid change (aspartic acid 148 retained).
Molecular consequence: synonymous variant.
Genome position (GRCh38, 1-based): chr16:30,986,617, C>T. VCF-style: chr16-30986617-C-T. GRCh37 (hg19) VCF-style: chr16-30997938-C-T.
Other names: c.444C>T, p.Asp148= (NM_001142777.2, NM_001142778.2).
Identifiers: ClinVar variation 4874158 (VCV004874158.2).